The following is an entry in ClinVar:

ClinVar aggregate classification (germline): Uncertain significance. Review status: criteria provided, multiple submitters, no conflicts (2 of 4 stars). 3 submissions from 3 submitters: Uncertain significance (3). Last evaluated 2025-09-26.

Conditions:
SEC24D-related disorder. Also called: SEC24D-related condition.
Inborn genetic diseases. Identifiers: MedGen C0950123, MeSH D030342.

Allele frequency attached by ClinVar (database versions not stated): gnomAD exomes 0.00005 and 0.00009; ExAC 0.00006.
gnomAD v4.1: 127 of 1,556,650 alleles (0.0082%); highest among the groups gnomAD compares: Non-Finnish European, 0.011%; 1 homozygote.

Submissions (3):

PreventionGenetics, part of Exact Sciences
Classification: Uncertain significance for SEC24D-related condition. Last evaluated: 2025-09-26. Review status: criteria provided, single submitter. Criteria: ACMG Guidelines, 2015. Collection method: clinical testing. Allele origin: germline.
Comment: The SEC24D c.1428G>T variant is predicted to result in the amino acid substitution p.Glu476Asp. To our knowledge, this variant has not been reported in the literature. This variant is reported in 0.011% of alleles in individuals of European (Non-Finnish) descent in gnomAD. At this time, the clinical significance of this variant is uncertain due to the absence of conclusive functional and genetic evidence.

Ambry Genetics
Classification: Uncertain significance for Inborn genetic diseases. Last evaluated: 2024-08-20. Review status: criteria provided, single submitter. Criteria: Ambry Variant Classification Scheme 2023. Collection method: clinical testing. Allele origin: germline.

Labcorp Genetics (formerly Invitae), Labcorp
Classification: Uncertain significance. Last evaluated: 2021-10-15. Review status: criteria provided, single submitter. Criteria: Invitae Variant Classification Sherloc (09022015). Collection method: clinical testing. Allele origin: germline.
Comment: This sequence change replaces glutamic acid with aspartic acid at codon 476 of the SEC24D protein (p.Glu476Asp). The glutamic acid residue is moderately conserved and there is a small physicochemical difference between glutamic acid and aspartic acid. This variant is present in population databases (rs770444839, ExAC 0.01%). This variant has not been reported in the literature in individuals affected with SEC24D-related conditions. Algorithms developed to predict the effect of missense changes on protein structure and function output the following: SIFT: "Not Available"; PolyPhen-2: "Benign"; Align-GVGD: "Not Available". The aspartic acid amino acid residue is found in multiple mammalian species, which suggests that this missense change does not adversely affect protein function. In summary, the available evidence is currently insufficient to determine the role of this variant in disease. Therefore, it has been classified as a Variant of Uncertain Significance.

NM_014822.4(SEC24D):c.1428G>T (p.Glu476Asp)

Gene: SEC24D (SEC24 homolog D, COPII component; minus strand). Cytogenetic location: 4q26.
Variant type: single nucleotide variant.
Coding change: c.1428G>T on transcript NM_014822.4 (MANE Select); coding-DNA position 1428, G replaced by T.
Protein change: p.Glu476Asp; replaces glutamic acid 476 with aspartic acid.
Molecular consequence: missense variant.
Genome position (GRCh38, 1-based): chr4:118,752,882, C>A on the plus strand (G>T on the coding strand, the complement: SEC24D is on the minus strand). VCF-style: chr4-118752882-C-A. GRCh37 (hg19) VCF-style: chr4-119674037-C-A.
Other names: c.1431G>T, p.Glu477Asp (NM_001318066.2); c.1428G>T (NM_014822.2, NM_014822.3); short protein forms E477D, E476D.
Identifiers: ClinVar variation 1364536 (VCV001364536.5), dbSNP rs770444839, ClinGen allele CA3057242.